The following is an entry in ClinVar:

ClinVar aggregate classification (germline): Uncertain significance. Review status: criteria provided, multiple submitters, no conflicts (2 of 4 stars). 2 submissions from 2 submitters: Uncertain significance (2). Last evaluated 2025-04-20.

Conditions:
Inborn genetic diseases. Identifiers: MedGen C0950123, MeSH D030342.

Allele frequency attached by ClinVar (database versions not stated): ExAC 0.00007; ESP Exome Variant Server 0.00008; gnomAD 0.00008.
gnomAD v4.1: 67 of 1,613,328 alleles (0.0042%); highest among the groups gnomAD compares: Middle Eastern, 0.016%; no homozygotes.

Submissions (2):

Ambry Genetics
Classification: Uncertain significance for Inborn genetic diseases. Last evaluated: 2025-04-20. Review status: criteria provided, single submitter. Criteria: Ambry Variant Classification Scheme 2023. Collection method: clinical testing. Allele origin: germline.

CeGaT Center for Human Genetics Tuebingen
Classification: Uncertain significance. Last evaluated: 2023-02-01. Review status: criteria provided, single submitter. Criteria: CeGaT Center For Human Genetics Tuebingen Variant Classification Criteria Version 2. Collection method: clinical testing. Allele origin: germline. Affected: yes. Observed: 1 variant allele.
Comment: EDEM3: PM2

NM_025191.4(EDEM3):c.1720C>T (p.Pro574Ser)

Gene: EDEM3 (ER degradation enhancing alpha-mannosidase like protein 3; minus strand). Cytogenetic location: 1q25.3.
Variant type: single nucleotide variant.
Coding change: c.1720C>T on transcript NM_025191.4 (MANE Select); coding-DNA position 1720, C replaced by T.
Protein change: p.Pro574Ser; replaces proline 574 with serine.
Molecular consequence: missense variant. On other transcripts: non-coding transcript variant (1).
Genome position (GRCh38, 1-based): chr1:184,710,519, G>A on the plus strand (C>T on the coding strand, the complement: EDEM3 is on the minus strand). VCF-style: chr1-184710519-G-A. GRCh37 (hg19) VCF-style: chr1-184679653-G-A.
Other names: c.1720C>T (NM_025191.3); c.1720C>T, p.Pro574Ser (NM_001319960.2); short protein forms P574S.
Identifiers: ClinVar variation 2639633 (VCV002639633.24), dbSNP rs140264427, ClinGen allele CA1287266.